The following is an entry in ClinVar:

ClinVar aggregate classification (germline): Likely benign (1 of 4 stars; one submission).

Submission:

CeGaT Center for Human Genetics Tuebingen
Classification: Likely benign. Last evaluated: 2026-04-01. Review status: criteria provided, single submitter. Criteria: CeGaT Center For Human Genetics Tuebingen Variant Classification Criteria Version 2. Collection method: clinical testing. Allele origin: germline. Affected: yes. Observed: 2 variant alleles.
Comment: COCH: PM2:Supporting, BP4, BP7

NM_004086.3(COCH):c.603A>C (p.Gly201=)

Genes: COCH (cochlin; plus strand), COCH-AS1 (COCH antisense RNA 1; minus strand). Cytogenetic location: 14q12.
Variant type: single nucleotide variant.
Coding change: c.603A>C on transcript NM_004086.3 (MANE Select); coding-DNA position 603, A replaced by C.
Protein change: p.Gly201=; no amino-acid change (glycine 201 retained).
Molecular consequence: synonymous variant.
Genome position (GRCh38, 1-based): chr14:30,880,708, A>C. VCF-style: chr14-30880708-A-C. GRCh37 (hg19) VCF-style: chr14-31349914-A-C.
Other names: c.603A>C, p.Gly201= (NM_001135058.2); c.798A>C, p.Gly266= (NM_001347720.2).
Identifiers: ClinVar variation 4872985 (VCV004872985.2).